The following is an entry in ClinVar:

NM_001085458.2(CTNND1):c.202C>T (p.Arg68Trp)

Genes: CTNND1 (catenin delta 1; plus strand), TMX2-CTNND1 (TMX2-CTNND1 readthrough (NMD candidate); plus strand). Cytogenetic location: 11q12.1.
Variant type: single nucleotide variant.
Coding change: c.202C>T on transcript NM_001085458.2 (MANE Select); coding-DNA position 202, C replaced by T.
Protein change: p.Arg68Trp; replaces arginine 68 with tryptophan.
Molecular consequence: missense variant. On other transcripts: non-coding transcript variant (1), 5 prime UTR variant (7), intron variant (1).
Genome position (GRCh38, 1-based): chr11:57,794,016, C>T. VCF-style: chr11-57794016-C-T. GRCh37 (hg19) VCF-style: chr11-57561488-C-T.
Other names: c.202C>T, p.Arg68Trp (NM_001085459.2, NM_001085460.2, NM_001085461.2 and 3 more transcripts); c.-102C>T (NM_001085463.2, NM_001085464.2, NM_001085465.2 and 4 more transcripts); c.40C>T, p.Arg14Trp (NM_001206883.2, NM_001206884.2, NM_001206886.2 and 4 more transcripts); c.-36-1561C>T (NM_001085469.2); short protein forms R68W, R14W.
Identifiers: ClinVar variation 2391342 (VCV002391342.5), dbSNP rs201927451, ClinGen allele CA6010176.

ClinVar aggregate classification (germline): Uncertain significance. Review status: criteria provided, single submitter (1 of 4 stars). 2 submissions from 2 submitters: Uncertain significance (1). 1 of the submissions does not count toward it. Last evaluated 2025-11-13.

Conditions:
Inborn genetic diseases. Identifiers: MedGen C0950123, MeSH D030342.
CTNND1-related disorder. Also called: CTNND1-related condition.

Allele frequency attached by ClinVar (database versions not stated): gnomAD 0.00032; TOPMed 0.00035; ExAC 0.00041; gnomAD exomes 0.00060; ESP Exome Variant Server 0.00076.

Submissions (2):

Ambry Genetics
Classification: Uncertain significance for Inborn genetic diseases. Last evaluated: 2025-11-13. Review status: criteria provided, single submitter. Criteria: Ambry Variant Classification Scheme 2023. Collection method: clinical testing. Allele origin: germline.

PreventionGenetics, part of Exact Sciences
Classification: Likely benign for CTNND1-related condition. Last evaluated: 2022-12-05. Review status: no assertion criteria provided. Collection method: clinical testing. Allele origin: germline. Not counted in ClinVar's aggregate classification.
Comment: This variant is classified as likely benign based on ACMG/AMP sequence variant interpretation guidelines (Richards et al. 2015 PMID: 25741868, with internal and published modifications).